The following is an entry in ClinVar:

ClinVar aggregate classification (germline): Likely pathogenic (1 of 4 stars; one submission).

Conditions:
Cardiomyopathy (CMYO). Also called: Cardiomyopathies. Identifiers: Orphanet 167848, MedGen C0878544, MONDO:0004994, HP:0001638. Inheritance: Various modes of inheritance.

Submission:

Clinical Genetics Laboratory, Skane University Hospital Lund
Classification: Likely pathogenic for Cardiomyopathy. Last evaluated: 2026-03-02. Review status: criteria provided, single submitter. Criteria: ACMG Guidelines, 2015. Collection method: clinical testing. Allele origin: germline. Affected: yes.
Comment: ACMG criteria used: PVS1, PM2.

NM_001267550.2(TTN):c.66292del (p.Gln22098fs)

Genes: TTN (titin; minus strand), TTN-AS1 (TTN antisense RNA 1; plus strand). Cytogenetic location: 2q31.2.
Variant type: Deletion.
Coding change: c.66292del on transcript NM_001267550.2 (MANE Select); coding-DNA position 66292, one base deleted (C; older notation c.66292delC).
Protein change: p.Gln22098fs; shifts the reading frame from glutamine 22098.
Molecular consequence: frameshift variant.
Genome position (GRCh38, 1-based): chr2:178,582,077, G deleted on the plus strand (C on the coding strand, the reverse complement: TTN is on the minus strand); the first of 3 consecutive G bases (chr2:178,582,077-178,582,079); deleting any one gives the same sequence. VCF-style (leftmost placement, unchanged base first): chr2-178582076-TG-T. GRCh37 (hg19) VCF-style: chr2-179446803-TG-T.
Other names: c.58588del, p.Gln19530fs (NM_133378.4); c.39472del, p.Gln13158fs (NM_133432.3); c.39673del, p.Gln13225fs (NM_133437.4); c.61369del, p.Gln20457fs (NM_001256850.1); c.39097del, p.Gln13033fs (NM_003319.4); short protein forms Q13033fs, Q13158fs, Q13225fs, Q19530fs, Q20457fs, Q22098fs.
Identifiers: ClinVar variation 4813219 (VCV004813219.1).